The following is an entry in ClinVar:

ClinVar aggregate classification (germline): Uncertain significance (1 of 4 stars; one submission).

Conditions:
Cardiovascular phenotype. Identifiers: MedGen CN230736.

Submission:

Ambry Genetics
Classification: Uncertain significance for Cardiovascular phenotype. Last evaluated: 2026-06-09. Review status: criteria provided, single submitter. Criteria: Ambry Variant Classification Scheme 2023. Collection method: clinical testing. Allele origin: germline.
Comment: The p.G638A variant (also known as c.1913G>C), located in coding exon 6 of the HCN4 gene, results from a G to C substitution at nucleotide position 1913. The glycine at codon 638 is replaced by alanine, an amino acid with similar properties. This amino acid position is conserved. In addition, this alteration is predicted to be deleterious by in silico analysis. Based on the available evidence, the clinical significance of this variant remains unclear.

NM_005477.3(HCN4):c.1913G>C (p.Gly638Ala)

Gene: HCN4 (hyperpolarization activated cyclic nucleotide gated potassium channel 4; minus strand). Cytogenetic location: 15q24.1.
Variant type: single nucleotide variant.
Coding change: c.1913G>C on transcript NM_005477.3 (MANE Select); coding-DNA position 1913, G replaced by C.
Protein change: p.Gly638Ala; replaces glycine 638 with alanine.
Molecular consequence: missense variant.
Genome position (GRCh38, 1-based): chr15:73,325,020, C>G on the plus strand (G>C on the coding strand, the complement: HCN4 is on the minus strand). VCF-style: chr15-73325020-C-G. GRCh37 (hg19) VCF-style: chr15-73617361-C-G.
Other names: short protein forms G638A.
Identifiers: ClinVar variation 4858309 (VCV004858309.1).